The following is an entry in ClinVar:

NM_001430.5(EPAS1):c.1312T>G (p.Trp438Gly)

Gene: EPAS1 (endothelial PAS domain protein 1; plus strand). Cytogenetic location: 2p21.
Variant type: single nucleotide variant.
Coding change: c.1312T>G on transcript NM_001430.5 (MANE Select); coding-DNA position 1312, T replaced by G.
Protein change: p.Trp438Gly; replaces tryptophan 438 with glycine.
Molecular consequence: missense variant.
Genome position (GRCh38, 1-based): chr2:46,377,956, T>G. VCF-style: chr2-46377956-T-G. GRCh37 (hg19) VCF-style: chr2-46605095-T-G.
Other names: short protein forms W438G.
Identifiers: ClinVar variation 2565080 (VCV002565080.2), dbSNP rs368272792, ClinGen allele CA346703773.

ClinVar aggregate classification (germline): Uncertain significance (1 of 4 stars; one submission).

Conditions:
Inborn genetic diseases. Identifiers: MedGen C0950123, MeSH D030342.

Submission:

Ambry Genetics
Classification: Uncertain significance for Inborn genetic diseases. Last evaluated: 2023-06-08. Review status: criteria provided, single submitter. Criteria: Ambry Variant Classification Scheme 2023. Collection method: clinical testing. Allele origin: germline.
Comment: The p.W438G variant (also known as c.1312T>G), located in coding exon 10 of the EPAS1 gene, results from a T to G substitution at nucleotide position 1312. The tryptophan at codon 438 is replaced by glycine, an amino acid with highly dissimilar properties. This amino acid position is conserved. In addition, the in silico prediction for this alteration is inconclusive. Since supporting evidence is limited at this time, the clinical significance of this alteration remains unclear.